The following is an entry in ClinVar:

ClinVar aggregate classification (germline): Pathogenic (1 of 4 stars; one submission).

Conditions:
Cardiovascular phenotype. Identifiers: MedGen CN230736.

Submission:

Ambry Genetics
Classification: Pathogenic for Cardiovascular phenotype. Last evaluated: 2017-11-17. Review status: criteria provided, single submitter. Criteria: Ambry Variant Classification Scheme 2023. Collection method: clinical testing. Allele origin: germline.
Comment: The p.C788* variant (also known as c.2364C>A), located in coding exon 24 of the MYBPC3 gene, results from a C to A substitution at nucleotide position 2364. This changes the amino acid from a cysteine to a stop codon within coding exon 24. This alteration has been reported in one subject with hypertrophic cardiomyopathy (HCM) who also carried a missense alteration in MYH7 (Maron BJ et al. Heart Rhythm, 2012 Jan;9:57-63). In addition to the clinical data presented in the literature, this alteration is expected to result in loss of function by premature protein truncation or nonsense-mediated mRNA decay. As such, this alteration is interpreted as a disease-causing mutation.

Literature cited by the submitters: PubMed 21839045.

NM_000256.3(MYBPC3):c.2364C>A (p.Cys788Ter)

Gene: MYBPC3 (myosin binding protein C3; minus strand). Cytogenetic location: 11p11.2.
Variant type: single nucleotide variant.
Coding change: c.2364C>A on transcript NM_000256.3 (MANE Select); coding-DNA position 2364, C replaced by A.
Protein change: p.Cys788Ter; replaces cysteine 788 with a stop codon.
Molecular consequence: nonsense.
Genome position (GRCh38, 1-based): chr11:47,337,739, G>T on the plus strand (C>A on the coding strand, the complement: MYBPC3 is on the minus strand). VCF-style: chr11-47337739-G-T. GRCh37 (hg19) VCF-style: chr11-47359290-G-T.
Other names: short protein forms C788*.
Identifiers: ClinVar variation 1790193 (VCV001790193.2), dbSNP rs2495750440, ClinGen allele CA380318805.
Genomic context (GRCh38, chr11:47,337,739, plus strand): 5'-CTTGCACTCACCCAGGATGGGCTGCCCGCCATCGTAGGCAGGCGGCTCCCACTGTACTGT[G>T]CAGGAGTCCTCTCCCACGTTGCTGATCTTGGGGGCCGCAGGTGCGTCTGGCACGTCTGGA-3'